The following is an entry in ClinVar:

NM_003052.5(SLC34A1):c.1067C>G (p.Ala356Gly)

Gene: SLC34A1 (solute carrier family 34 member 1; plus strand). Cytogenetic location: 5q35.3.
Variant type: single nucleotide variant.
Coding change: c.1067C>G on transcript NM_003052.5 (MANE Select); coding-DNA position 1067, C replaced by G.
Protein change: p.Ala356Gly; replaces alanine 356 with glycine.
Molecular consequence: missense variant.
Genome position (GRCh38, 1-based): chr5:177,394,088, C>G. VCF-style: chr5-177394088-C-G. GRCh37 (hg19) VCF-style: chr5-176821089-C-G.
Other names: c.1067C>G (NM_003052.4); short protein forms A356G.
Identifiers: ClinVar variation 1915279 (VCV001915279.4), dbSNP rs770194264, ClinGen allele CA3580634.
Genomic context (GRCh38, chr5:177,394,088, plus strand): 5'-GCAACCACATCTTTGTGGACACTGGCCTACCGGACCTGGCTGTGGGGCTCATCCTGCTGG[C>G]AGGATCCCTGGTGCTGCTGTGCACCTGCCTCATCCTCCTAGTCAAGATGCTCAACTCCCT-3'
Protein context (NP_003043.3, residues 346-366): PDLAVGLILL[Ala356Gly]GSLVLLCTCL

ClinVar aggregate classification (germline): Uncertain significance. Review status: criteria provided, multiple submitters, no conflicts (2 of 4 stars). 2 submissions from 2 submitters: Uncertain significance (2). Last evaluated 2025-11-10.

gnomAD v4.1: 3 of 1,614,062 alleles (0.00019%); highest among the groups gnomAD compares: South Asian, 0.0011%; no homozygotes.

Submissions (2):

Labcorp Genetics (formerly Invitae), Labcorp
Classification: Uncertain significance. Last evaluated: 2025-11-10. Review status: criteria provided, single submitter. Criteria: Invitae Variant Classification Sherloc (09022015). Collection method: clinical testing. Allele origin: germline.
Comment: This sequence change replaces alanine, which is neutral and non-polar, with glycine, which is neutral and non-polar, at codon 356 of the SLC34A1 protein (p.Ala356Gly). This variant is present in population databases (rs770194264, gnomAD 0.003%). This variant has not been reported in the literature in individuals affected with SLC34A1-related conditions. ClinVar contains an entry for this variant (Variation ID: 1915279). Invitae Evidence Modeling of protein sequence and biophysical properties (such as structural, functional, and spatial information, amino acid conservation, physicochemical variation, residue mobility, and thermodynamic stability) indicates that this missense variant is not expected to disrupt SLC34A1 protein function with a negative predictive value of 80%. In summary, the available evidence is currently insufficient to determine the role of this variant in disease. Therefore, it has been classified as a Variant of Uncertain Significance.

GeneDx
Classification: Uncertain significance. Last evaluated: 2023-04-30. Review status: criteria provided, single submitter. Criteria: GeneDx Variant Classification Process June 2021. Collection method: clinical testing. Allele origin: germline. Affected: yes.
Comment: Not observed at significant frequency in large population cohorts (gnomAD); In silico analysis supports that this missense variant has a deleterious effect on protein structure/function; Has not been previously published as pathogenic or benign to our knowledge